The following is an entry in ClinVar:

ClinVar aggregate classification (germline): Uncertain significance (1 of 4 stars; one submission).

Conditions:
Treacher Collins syndrome 1 (TCS1). Also called: TCOF1-Related Treacher Collins Syndrome. Identifiers: Orphanet 861, MedGen CN315775, MONDO:0007944, OMIM 154500.

Submission:

Labcorp Genetics (formerly Invitae), Labcorp
Classification: Uncertain significance for Treacher Collins syndrome 1. Last evaluated: 2025-09-08. Review status: criteria provided, single submitter. Criteria: Invitae Variant Classification Sherloc (09022015). Collection method: clinical testing. Allele origin: germline.
Comment: This sequence change replaces arginine, which is basic and polar, with tryptophan, which is neutral and slightly polar, at codon 158 of the TCOF1 protein (p.Arg158Trp). This variant is not present in population databases (gnomAD no frequency). This variant has not been reported in the literature in individuals affected with TCOF1-related conditions. Invitae Evidence Modeling of protein sequence and biophysical properties (such as structural, functional, and spatial information, amino acid conservation, physicochemical variation, residue mobility, and thermodynamic stability) indicates that this missense variant is not expected to disrupt TCOF1 protein function with a negative predictive value of 80%. In summary, the available evidence is currently insufficient to determine the role of this variant in disease. Therefore, it has been classified as a Variant of Uncertain Significance.

NM_001371623.1(TCOF1):c.472A>T (p.Arg158Trp)

Gene: TCOF1 (treacle ribosome biogenesis factor 1; plus strand). Cytogenetic location: 5q32.
Variant type: single nucleotide variant.
Coding change: c.472A>T on transcript NM_001371623.1 (MANE Select); coding-DNA position 472, A replaced by T.
Protein change: p.Arg158Trp; replaces arginine 158 with tryptophan.
Molecular consequence: missense variant.
Genome position (GRCh38, 1-based): chr5:150,368,809, A>T. VCF-style: chr5-150368809-A-T. GRCh37 (hg19) VCF-style: chr5-149748372-A-T.
Other names: c.472A>T, p.Arg158Trp (NM_000356.4, NM_001008657.3, NM_001135243.2 and 4 more transcripts); short protein forms R158W.
Identifiers: ClinVar variation 4749599 (VCV004749599.1).